The following is an entry in ClinVar:

NM_000038.6(APC):c.6215T>G (p.Leu2072Ter)

Gene: APC (APC regulator of Wnt signaling pathway; plus strand). Cytogenetic location: 5q22.2.
Variant type: single nucleotide variant.
Coding change: c.6215T>G on transcript NM_000038.6 (MANE Select); coding-DNA position 6215, T replaced by G.
Protein change: p.Leu2072Ter; replaces leucine 2072 with a stop codon.
Molecular consequence: nonsense. On other transcripts: non-coding transcript variant (2).
Genome position (GRCh38, 1-based): chr5:112,841,809, T>G. VCF-style: chr5-112841809-T-G. GRCh37 (hg19) VCF-style: chr5-112177506-T-G.
Other names: c.6215T>G, p.Leu2072Ter (NM_001127510.3, NM_001354895.2, NM_001407450.1); c.6161T>G, p.Leu2054Ter (NM_001127511.3); c.6269T>G, p.Leu2090Ter (NM_001354896.2, NM_001407447.1, NM_001407448.1 and 1 more transcripts); c.6245T>G, p.Leu2082Ter (NM_001354897.2); c.6140T>G, p.Leu2047Ter (NM_001354898.2); c.6131T>G, p.Leu2044Ter (NM_001354899.2); c.6092T>G, p.Leu2031Ter (NM_001354900.2); c.6038T>G, p.Leu2013Ter (NM_001354901.2, NM_001407453.1); and 11 more; short protein forms L1688*, L1789*, L1912*, L1943*, L1946*, L1971*, L1981*, L1989*.
Identifiers: ClinVar variation 2583325 (VCV002583325.2), dbSNP rs2533698639, ClinGen allele CA16034945.

ClinVar aggregate classification (germline): Pathogenic (1 of 4 stars; one submission).

Conditions:
Familial adenomatous polyposis 1 (FAP1). Also called: POLYPOSIS, ADENOMATOUS INTESTINAL; FAMILIAL ADENOMATOUS POLYPOSIS 1, ATTENUATED. Identifiers: MedGen C2713442, MONDO:0021056, OMIM 175100. Disease mechanism: loss of function.

Submission:

Myriad Genetics, Inc.
Classification: Pathogenic for Familial adenomatous polyposis 1. Last evaluated: 2023-05-15. Review status: criteria provided, single submitter. Criteria: Myriad Autosomal Dominant, Autosomal Recessive and X-Linked Classification Criteria (2023). Collection method: clinical testing. Allele origin: unknown.
Comment: This variant is considered pathogenic. This variant creates a termination codon and is predicted to result in premature protein truncation.